The following is an entry in ClinVar:

ClinVar aggregate classification (germline): Uncertain significance (1 of 4 stars; one submission).

Conditions:
Congenital contractural arachnodactyly (CCA). Also called: BEALS SYNDROME; Beals-Hecht syndrome; Arthrogryposis, distal, type 9. Identifiers: Orphanet 115, MedGen C0220668, MONDO:0007363, OMIM 121050.

Allele frequency attached by ClinVar (database versions not stated): gnomAD exomes below 0.00001; gnomAD 0.00002; TOPMed 0.00005.
gnomAD v4.1: 7 of 1,614,002 alleles (0.00043%); highest among the groups gnomAD compares: Admixed American, 0.0083%; no homozygotes.

Submission:

Labcorp Genetics (formerly Invitae), Labcorp
Classification: Uncertain significance for Congenital contractural arachnodactyly. Last evaluated: 2025-11-23. Review status: criteria provided, single submitter. Criteria: Invitae Variant Classification Sherloc (09022015). Collection method: clinical testing. Allele origin: germline.
Comment: This sequence change affects codon 937 of the FBN2 mRNA. It is a 'silent' change, meaning that it does not change the encoded amino acid sequence of the FBN2 protein. This variant is not present in population databases (gnomAD no frequency). This variant has not been reported in the literature in individuals affected with FBN2-related conditions. ClinVar contains an entry for this variant (Variation ID: 1035821). Algorithms developed to predict the effect of sequence changes on RNA splicing suggest that this variant may disrupt the consensus splice site. In summary, the available evidence is currently insufficient to determine the role of this variant in disease. Therefore, it has been classified as a Variant of Uncertain Significance.

NM_001999.4(FBN2):c.2811A>G (p.Leu937=)

Gene: FBN2 (fibrillin 2; minus strand). Cytogenetic location: 5q23.3.
Variant type: single nucleotide variant.
Coding change: c.2811A>G on transcript NM_001999.4 (MANE Select); coding-DNA position 2811, A replaced by G.
Protein change: p.Leu937=; no amino-acid change (leucine 937 retained).
Molecular consequence: synonymous variant.
Genome position (GRCh38, 1-based): chr5:128,350,869, T>C on the plus strand (A>G on the coding strand, the complement: FBN2 is on the minus strand). VCF-style: chr5-128350869-T-C. GRCh37 (hg19) VCF-style: chr5-127686561-T-C.
Identifiers: ClinVar variation 1035821 (VCV001035821.9), dbSNP rs1751336276, ClinGen allele CA446312050.
Genomic context (GRCh38, chr5:128,350,869, plus strand): 5'-TCCTAGTGGCAGGAGAAGTTTCCAAGGAGAAGCCCAGAAGCTCCCAATAAGGCTCCTACC[T>C]AGTTCACACCGCTCACAGGGGCTCCCCCAGGCGGCTCCGAGGGTGGCACAGCATTCAGAT-3'
Protein context (NP_001990.2, residues 927-947): AWGSPCERCE[Leu937=]DTACPRGLAR